The following is an entry in ClinVar:

NM_001134831.2(AHI1):c.821dup (p.Asp275fs)

Gene: AHI1 (Abelson helper integration site 1; minus strand). Cytogenetic location: 6q23.3.
Variant type: Duplication.
Coding change: c.821dup on transcript NM_001134831.2 (MANE Select); coding-DNA position 821, one base duplicated (C; older notation c.821dupC).
Protein change: p.Asp275fs; shifts the reading frame from aspartic acid 275.
Molecular consequence: frameshift variant.
Genome position (GRCh38, 1-based): chr6:135,463,235, G duplicated on the plus strand (C on the coding strand, the reverse complement: AHI1 is on the minus strand). VCF-style (leftmost placement, unchanged base first): chr6-135463234-T-TG. GRCh37 (hg19) VCF-style: chr6-135784372-T-TG.
Other names: c.821dup, p.Asp275fs (NM_001134830.2, NM_001134832.2, NM_001350503.2 and 2 more transcripts); short protein forms D275fs.
Identifiers: ClinVar variation 5015168 (VCV005015168.1).

ClinVar aggregate classification (germline): Pathogenic (1 of 4 stars; one submission).

Conditions:
Joubert syndrome 3 (JBTS3). Also called: AHI1-related Ciliopathy. Identifiers: Orphanet 220493, MedGen C1837713, MONDO:0012078, OMIM 608629.

Submission:

Myriad Genetics, Inc.
Classification: Pathogenic for Joubert syndrome 3. Last evaluated: 2025-11-04. Review status: criteria provided, single submitter. Criteria: Myriad Autosomal Dominant, Autosomal Recessive and X-Linked Classification Criteria (2023). Collection method: clinical testing. Allele origin: unknown.
Comment: NM_001134831.1(AHI1):c.821dupC(D275Rfs*6) is expected to be pathogenic in the context of Joubert syndrome, AHI1-related. This variant is predicted to lead to an abnormal or absent protein product due to the creation of a premature termination codon in AHI1, a gene where loss-of-function variants are known to be pathogenic. Please note: this variant was assessed in the context of healthy population screening.